The following is an entry in ClinVar:

NM_025144.4(ALPK1):c.1875G>T (p.Leu625Phe)

Gene: ALPK1 (alpha kinase 1; plus strand). Cytogenetic location: 4q25.
Variant type: single nucleotide variant.
Coding change: c.1875G>T on transcript NM_025144.4 (MANE Select); coding-DNA position 1875, G replaced by T.
Protein change: p.Leu625Phe; replaces leucine 625 with phenylalanine.
Molecular consequence: missense variant.
Genome position (GRCh38, 1-based): chr4:112,431,422, G>T. VCF-style: chr4-112431422-G-T. GRCh37 (hg19) VCF-style: chr4-113352578-G-T.
Other names: c.1875G>T (NM_025144.3); c.1875G>T, p.Leu625Phe (NM_001102406.2); c.1641G>T, p.Leu547Phe (NM_001253884.2); short protein forms L625F, L547F.
Identifiers: ClinVar variation 2200069 (VCV002200069.6), dbSNP rs139124991, ClinGen allele CA3046818.
Genomic context (GRCh38, chr4:112,431,422, plus strand): 5'-GTCAGCCAGAAAAGAGCCTGGCAAAGAACATCTGGTGGACACTCAGTGTTCCACTGCCTT[G>T]TCTGAGGAGCTAGAGAATGACAGGGAAGGCAGAGCTATGCATTCATTGCATTCACAGCTT-3'
Protein context (NP_079420.3, residues 615-635): HLVDTQCSTA[Leu625Phe]SEELENDREG

ClinVar aggregate classification (germline): Uncertain significance. Review status: criteria provided, multiple submitters, no conflicts (2 of 4 stars). 2 submissions from 2 submitters: Uncertain significance (2). Last evaluated 2025-01-24.

Conditions:
Inborn genetic diseases. Identifiers: MedGen C0950123, MeSH D030342.

Allele frequency attached by ClinVar (database versions not stated): gnomAD exomes 0.00005; TOPMed 0.00006; ExAC 0.00007; gnomAD 0.00007; ESP Exome Variant Server 0.00015.
gnomAD v4.1: 88 of 1,614,116 alleles (0.0055%); highest among the groups gnomAD compares: Non-Finnish European, 0.0069%; no homozygotes.

Submissions (2):

Ambry Genetics
Classification: Uncertain significance for Inborn genetic diseases. Last evaluated: 2025-01-24. Review status: criteria provided, single submitter. Criteria: Ambry Variant Classification Scheme 2023. Collection method: clinical testing. Allele origin: germline.

Labcorp Genetics (formerly Invitae), Labcorp
Classification: Uncertain significance. Last evaluated: 2024-02-04. Review status: criteria provided, single submitter. Criteria: Invitae Variant Classification Sherloc (09022015). Collection method: clinical testing. Allele origin: germline.
Comment: This sequence change replaces leucine, which is neutral and non-polar, with phenylalanine, which is neutral and non-polar, at codon 625 of the ALPK1 protein (p.Leu625Phe). This variant is present in population databases (rs139124991, gnomAD 0.01%). This variant has not been reported in the literature in individuals affected with ALPK1-related conditions. ClinVar contains an entry for this variant (Variation ID: 2200069). Advanced modeling of protein sequence and biophysical properties (such as structural, functional, and spatial information, amino acid conservation, physicochemical variation, residue mobility, and thermodynamic stability) performed at Invitae indicates that this missense variant is not expected to disrupt ALPK1 protein function with a negative predictive value of 80%. In summary, the available evidence is currently insufficient to determine the role of this variant in disease. Therefore, it has been classified as a Variant of Uncertain Significance.